The following is an entry in ClinVar:

NM_177973.2(SULT2B1):c.773C>T (p.Thr258Met)

Gene: SULT2B1 (sulfotransferase family 2B member 1; plus strand). Cytogenetic location: 19q13.33.
Variant type: single nucleotide variant.
Coding change: c.773C>T on transcript NM_177973.2 (MANE Select); coding-DNA position 773, C replaced by T.
Protein change: p.Thr258Met; replaces threonine 258 with methionine.
Molecular consequence: missense variant.
Genome position (GRCh38, 1-based): chr19:48,596,866, C>T. VCF-style: chr19-48596866-C-T. GRCh37 (hg19) VCF-style: chr19-49100123-C-T.
Other names: c.728C>T, p.Thr243Met (NM_004605.2); short protein forms T258M, T243M.
Identifiers: ClinVar variation 3323612 (VCV003323612.3).

ClinVar aggregate classification (germline): Uncertain significance. Review status: criteria provided, multiple submitters, no conflicts (2 of 4 stars). 2 submissions from 2 submitters: Uncertain significance (2). Last evaluated 2024-04-26.

Conditions:
Inborn genetic diseases. Identifiers: MedGen C0950123, MeSH D030342.

gnomAD v4.1: 78 of 1,608,182 alleles (0.0049%); highest among the groups gnomAD compares: Admixed American, 0.012%; no homozygotes.

Submissions (2):

Ambry Genetics
Classification: Uncertain significance for Inborn genetic diseases. Last evaluated: 2024-04-26. Review status: criteria provided, single submitter. Criteria: Ambry Variant Classification Scheme 2023. Collection method: clinical testing. Allele origin: germline.

Labcorp Genetics (formerly Invitae), Labcorp
Classification: Uncertain significance. Last evaluated: 2024-02-14. Review status: criteria provided, single submitter. Criteria: Invitae Variant Classification Sherloc (09022015). Collection method: clinical testing. Allele origin: germline.
Comment: This sequence change replaces threonine, which is neutral and polar, with methionine, which is neutral and non-polar, at codon 258 of the SULT2B1 protein (p.Thr258Met). This variant is present in population databases (rs143866846, gnomAD 0.007%). This variant has not been reported in the literature in individuals affected with SULT2B1-related conditions. Advanced modeling of protein sequence and biophysical properties (such as structural, functional, and spatial information, amino acid conservation, physicochemical variation, residue mobility, and thermodynamic stability) performed at Invitae indicates that this missense variant is not expected to disrupt SULT2B1 protein function with a negative predictive value of 80%. In summary, the available evidence is currently insufficient to determine the role of this variant in disease. Therefore, it has been classified as a Variant of Uncertain Significance.